The following is an entry in ClinVar:

NM_170707.4(LMNA):c.1361T>C (p.Leu454Pro)

Gene: LMNA (lamin A/C; plus strand). Cytogenetic location: 1q22.
Variant type: single nucleotide variant.
Coding change: c.1361T>C on transcript NM_170707.4 (MANE Select); coding-DNA position 1361, T replaced by C.
Protein change: p.Leu454Pro; replaces leucine 454 with proline.
Molecular consequence: missense variant.
Genome position (GRCh38, 1-based): chr1:156,136,417, T>C. VCF-style: chr1-156136417-T-C. GRCh37 (hg19) VCF-style: chr1-156106208-T-C.
Other names: c.1025T>C, p.Leu342Pro (NM_001257374.3); c.1118T>C, p.Leu373Pro (NM_001282624.2); c.1361T>C, p.Leu454Pro (NM_001282625.2, NM_001282626.2, NM_005572.4 and 1 more transcripts); short protein forms L454P, L373P, L342P.
Identifiers: ClinVar variation 66809 (VCV000066809.4), dbSNP rs267607638, ClinGen allele CA017048.

ClinVar aggregate classification (germline): Pathogenic. Review status: criteria provided, single submitter (1 of 4 stars). 2 submissions from 2 submitters: Pathogenic (1). 1 of the submissions does not count toward it. Last evaluated 2024-02-08.

Conditions:
Charcot-Marie-Tooth disease type 2. Also called: Charcot-Marie-Tooth type 2. Identifiers: Orphanet 64746, MedGen C0270914, MONDO:0018993.

Submissions (2):

Labcorp Genetics (formerly Invitae), Labcorp
Classification: Pathogenic for Charcot-Marie-Tooth disease type 2. Last evaluated: 2024-02-08. Review status: criteria provided, single submitter. Criteria: Invitae Variant Classification Sherloc (09022015). Collection method: clinical testing. Allele origin: germline.
Comment: This sequence change replaces leucine, which is neutral and non-polar, with proline, which is neutral and non-polar, at codon 454 of the LMNA protein (p.Leu454Pro). This variant is not present in population databases (gnomAD no frequency). This missense change has been observed in individual(s) with autosomal dominant congenital muscular dystrophy (Invitae). In at least one individual the variant was observed to be de novo. ClinVar contains an entry for this variant (Variation ID: 66809). Advanced modeling of protein sequence and biophysical properties (such as structural, functional, and spatial information, amino acid conservation, physicochemical variation, residue mobility, and thermodynamic stability) performed at Invitae indicates that this missense variant is expected to disrupt LMNA protein function with a positive predictive value of 95%. Experimental studies have shown that this missense change affects LMNA function (PMID: 34862408). For these reasons, this variant has been classified as Pathogenic.

Epithelial Biology;  Institute of Medical Biology, Singapore
No classification provided. Review status: no classification provided. Collection method: not provided. Allele origin: not provided. Not counted in ClinVar's aggregate classification.

Literature cited by the submitters: PubMed 34862408 (cited by Labcorp Genetics (formerly Invitae), Labcorp).